The following is an entry in ClinVar:

ClinVar aggregate classification (germline): Uncertain significance (1 of 4 stars; one submission).

Conditions:
Severe combined immunodeficiency due to IKK2 deficiency. Also called: Immunodeficiency 15; IMMUNODEFICIENCY 15B. Identifiers: Orphanet 397787, MedGen C4747743, MONDO:0014267, OMIM 615592.

Allele frequency attached by ClinVar (database versions not stated): gnomAD exomes below 0.00001; gnomAD 0.00001; TOPMed 0.00002.
gnomAD v4.1: 3 of 1,614,062 alleles (0.00019%); highest among the groups gnomAD compares: African/African-American, 0.0027%; no homozygotes.

Submission:

Labcorp Genetics (formerly Invitae), Labcorp
Classification: Uncertain significance for Severe combined immunodeficiency due to IKK2 deficiency. Last evaluated: 2023-06-07. Review status: criteria provided, single submitter. Criteria: Invitae Variant Classification Sherloc (09022015). Collection method: clinical testing. Allele origin: germline.
Comment: Advanced modeling of protein sequence and biophysical properties (such as structural, functional, and spatial information, amino acid conservation, physicochemical variation, residue mobility, and thermodynamic stability) performed at Invitae indicates that this missense variant is not expected to disrupt IKBKB protein function. This variant has not been reported in the literature in individuals affected with IKBKB-related conditions. This variant is not present in population databases (gnomAD no frequency). This sequence change replaces serine, which is neutral and polar, with asparagine, which is neutral and polar, at codon 127 of the IKBKB protein (p.Ser127Asn). In summary, the available evidence is currently insufficient to determine the role of this variant in disease. Therefore, it has been classified as a Variant of Uncertain Significance.

NM_001556.3(IKBKB):c.380G>A (p.Ser127Asn)

Genes: IKBKB (inhibitor of nuclear factor kappa B kinase subunit beta; plus strand), LOC126860373 (CDK7 strongly-dependent group 2 enhancer GRCh37_chr8:42150166-42151365; plus strand). Cytogenetic location: 8p11.21.
Variant type: single nucleotide variant.
Coding change: c.380G>A on transcript NM_001556.3 (MANE Select); coding-DNA position 380, G replaced by A.
Protein change: p.Ser127Asn; replaces serine 127 with asparagine.
Molecular consequence: missense variant. On other transcripts: non-coding transcript variant (3).
Genome position (GRCh38, 1-based): chr8:42,293,504, G>A. VCF-style: chr8-42293504-G-A. GRCh37 (hg19) VCF-style: chr8-42151022-G-A.
Other names: c.188G>A, p.Ser63Asn (NM_001190720.3); c.203G>A, p.Ser68Asn (NM_001242778.2); short protein forms S63N, S68N, S127N.
Identifiers: ClinVar variation 3018886 (VCV003018886.3), dbSNP rs1460784228, ClinGen allele CA371093647.